The following is an entry in ClinVar:

ClinVar aggregate classification (germline): Conflicting classifications of pathogenicity. Review status: criteria provided, conflicting classifications (1 of 4 stars). 9 submissions from 9 submitters: Uncertain significance (1); Benign (1); Likely benign (4). 3 of the submissions do not count toward it. Last evaluated 2026-09-01.

Conditions:
PLEC-related disorder. Also called: PLEC-related condition; PLEC-related disorders.
Epidermolysis bullosa simplex with nail dystrophy (EBS5D). Identifiers: MedGen C4225309, MONDO:0014661, OMIM 616487.
Epidermolysis bullosa simplex 5C, with pyloric atresia (EBS5C). Also called: PLEC-Related Epidermolysis Bullosa with Pyloric Atresia; PLEC1-Related Epidermolysis Bullosa with Pyloric Atresia; Epidermolysis bullosa simplex with pyloric atresia. Identifiers: Orphanet 158684, MedGen C2677349, MONDO:0012807, OMIM 612138.
Autosomal recessive limb-girdle muscular dystrophy type 2Q (LGMDR17). Also called: MUSCULAR DYSTROPHY, LIMB-GIRDLE, AUTOSOMAL RECESSIVE 17. Identifiers: Orphanet 254361, MedGen C3150989, MONDO:0013390, OMIM 613723.
Epidermolysis bullosa simplex, Ogna type (EBS5A). Also called: Pidermolysis bullosa simplex 5A, Ogna type; EPIDERMOLYSIS BULLOSA SIMPLEX 5A, OGNA TYPE. Identifiers: Orphanet 79401, MedGen C0432317, MONDO:0007555, OMIM 131950.
Epidermolysis bullosa simplex 5B, with muscular dystrophy (EBS5B). Also called: EPIDERMOLYSIS BULLOSA SIMPLEX AND LIMB-GIRDLE MUSCULAR DYSTROPHY; Epidermolysis bullosa simplex with muscular dystrophy. Identifiers: Orphanet 257, MedGen C2931072, MONDO:0009181, OMIM 226670.

Allele frequency attached by ClinVar (database versions not stated): 1000 Genomes Project 30x 0.00078; 1000 Genomes Project 0.00080; TOPMed 0.00080; ExAC 0.00088; ESP Exome Variant Server 0.00095.
gnomAD v4.1: 1,770 of 1,613,868 alleles (0.11%); highest among the groups gnomAD compares: Non-Finnish European, 0.14%; 3 homozygotes.

Submissions (9):

CeGaT Center for Human Genetics Tuebingen
Classification: Likely benign. Last evaluated: 2026-09-01. Review status: criteria provided, single submitter. Criteria: CeGaT Center For Human Genetics Tuebingen Variant Classification Criteria Version 2. Collection method: clinical testing. Allele origin: germline. Affected: yes. Observed: 5 variant alleles.
Comment: PLEC: BP4, BP7

Labcorp Genetics (formerly Invitae), Labcorp
Classification: Likely benign for Autosomal recessive limb-girdle muscular dystrophy type 2Q; Epidermolysis bullosa simplex, Ogna type; Epidermolysis bullosa simplex with nail dystrophy; Epidermolysis bullosa simplex 5C, with pyloric atresia; Epidermolysis bullosa simplex 5B, with muscular dystrophy. Last evaluated: 2026-01-06. Review status: criteria provided, single submitter. Criteria: Invitae Variant Classification Sherloc (09022015). Collection method: clinical testing. Allele origin: germline.

Blueprint Genetics
Classification: Likely benign. Last evaluated: 2024-11-13. Review status: criteria provided, single submitter. Criteria: ACMG Guidelines, 2015. Collection method: clinical testing. Allele origin: germline.

Athena Diagnostics
Classification: Benign. Last evaluated: 2024-03-28. Review status: criteria provided, single submitter. Criteria: Athena Diagnostics Criteria. Collection method: clinical testing. Allele origin: unknown.

GeneDx
Classification: Likely benign. Last evaluated: 2019-03-25. Review status: criteria provided, single submitter. Criteria: GeneDx Variant Classification Process June 2021. Collection method: clinical testing. Allele origin: germline. Affected: yes.

Eurofins Ntd Llc (ga)
Classification: Uncertain significance. Last evaluated: 2017-12-29. Review status: criteria provided, single submitter. Criteria: EGL Classification Definitions 2015. Collection method: clinical testing. Allele origin: germline. Observed: 14 variant alleles, 14 heterozygotes.

PreventionGenetics, part of Exact Sciences
Classification: Likely benign for PLEC-related condition. Last evaluated: 2019-11-26. Review status: no assertion criteria provided. Collection method: clinical testing. Allele origin: germline. Not counted in ClinVar's aggregate classification.
Comment: This variant is classified as likely benign based on ACMG/AMP sequence variant interpretation guidelines (Richards et al. 2015 PMID: 25741868, with internal and published modifications).

Clinical Genetics DNA and cytogenetics Diagnostics Lab, Erasmus MC, Erasmus Medical Center
Classification: Likely benign. Review status: no assertion criteria provided. Collection method: clinical testing. Allele origin: germline. Affected: yes. Study: VKGL Data-share Consensus. Not counted in ClinVar's aggregate classification.

Laboratory of Diagnostic Genome Analysis, Leiden University Medical Center (LUMC)
Classification: Likely benign. Review status: no assertion criteria provided. Collection method: clinical testing. Allele origin: germline. Affected: yes. Study: VKGL Data-share Consensus. Not counted in ClinVar's aggregate classification.

Literature cited by the submitters: PubMed 27456059 (cited by Athena Diagnostics).

NM_201384.3(PLEC):c.12243C>T (p.Thr4081=)

Gene: PLEC (plectin; minus strand). Cytogenetic location: 8q24.3.
Variant type: single nucleotide variant.
Coding change: c.12243C>T on transcript NM_201384.3 (MANE Select); coding-DNA position 12243, C replaced by T.
Protein change: p.Thr4081=; no amino-acid change (threonine 4081 retained).
Molecular consequence: synonymous variant.
Genome position (GRCh38, 1-based): chr8:143,917,578, G>A on the plus strand (C>T on the coding strand, the complement: PLEC is on the minus strand). VCF-style: chr8-143917578-G-A. GRCh37 (hg19) VCF-style: chr8-144991746-G-A.
Other names: c.12324C>T, p.Thr4108= (NM_000445.5); c.12201C>T, p.Thr4067= (NM_201378.4); c.12177C>T, p.Thr4059= (NM_201379.3); c.12654C>T, p.Thr4218= (NM_201380.4); c.12147C>T, p.Thr4049= (NM_201381.3); c.12243C>T, p.Thr4081= (NM_201382.4); c.12255C>T, p.Thr4085= (NM_201383.3).
Identifiers: ClinVar variation 283337 (VCV000283337.64), dbSNP rs185022156, ClinGen allele CA4924141.